The following is an entry in ClinVar:

ClinVar aggregate classification (germline): Uncertain significance. Review status: criteria provided, multiple submitters, no conflicts (2 of 4 stars). 2 submissions from 2 submitters: Uncertain significance (2). Last evaluated 2025-05-20.

Conditions:
Epileptic encephalopathy. Identifiers: MedGen C0543888, HP:0200134.

Allele frequency attached by ClinVar (database versions not stated): TOPMed 0.00001; gnomAD 0.00002.
gnomAD v4.1: 20 of 1,609,990 alleles (0.0012%); highest among the groups gnomAD compares: Admixed American, 0.0034%; no homozygotes.

Submissions (2):

Ambry Genetics
Classification: Uncertain significance. Last evaluated: 2025-05-20. Review status: criteria provided, single submitter. Criteria: Ambry Variant Classification Scheme 2023. Collection method: clinical testing. Allele origin: germline.

Labcorp Genetics (formerly Invitae), Labcorp
Classification: Uncertain significance for Epileptic encephalopathy. Last evaluated: 2023-12-06. Review status: criteria provided, single submitter. Criteria: Invitae Variant Classification Sherloc (09022015). Collection method: clinical testing. Allele origin: germline.
Comment: This sequence change replaces glutamic acid, which is acidic and polar, with lysine, which is basic and polar, at codon 1729 of the FASN protein (p.Glu1729Lys). The frequency data for this variant in the population databases is considered unreliable, as metrics indicate poor data quality at this position in the gnomAD database. This variant has not been reported in the literature in individuals affected with FASN-related conditions. An algorithm developed to predict the effect of missense changes on protein structure and function (PolyPhen-2) suggests that this variant is likely to be disruptive. In summary, the available evidence is currently insufficient to determine the role of this variant in disease. Therefore, it has been classified as a Variant of Uncertain Significance.

NM_004104.5(FASN):c.5185G>A (p.Glu1729Lys)

Gene: FASN (fatty acid synthase; minus strand). Cytogenetic location: 17q25.3.
Variant type: single nucleotide variant.
Coding change: c.5185G>A on transcript NM_004104.5 (MANE Select); coding-DNA position 5185, G replaced by A.
Protein change: p.Glu1729Lys; replaces glutamic acid 1729 with lysine.
Molecular consequence: missense variant.
Genome position (GRCh38, 1-based): chr17:82,083,805, C>T on the plus strand (G>A on the coding strand, the complement: FASN is on the minus strand). VCF-style: chr17-82083805-C-T. GRCh37 (hg19) VCF-style: chr17-80041681-C-T.
Other names: c.5185G>A (NM_004104.4); short protein forms E1729K.
Identifiers: ClinVar variation 2917189 (VCV002917189.4), dbSNP rs201306482, ClinGen allele CA8851797.